The following is an entry in ClinVar:

ClinVar aggregate classification (germline): Pathogenic (1 of 4 stars; one submission).

Conditions:
Polycystic kidney disease, adult type (PKD1). Also called: Polycystic Kidney, Autosomal Dominant; POLYCYSTIC KIDNEY DISEASE, ADULT, TYPE I; Polycystic Kidney Disease 1, Autosomal Dominant; Polycystic kidney disease 1; Polycystic kidney disease 1, severe; POLYCYSTIC KIDNEY DISEASE 1 WITH OR WITHOUT POLYCYSTIC LIVER DISEASE. Identifiers: MedGen C3149841, MONDO:0008263, OMIM 173900.

Submission:

Victorian Clinical Genetics Services, Murdoch Childrens Research Institute
Classification: Pathogenic for Polycystic kidney disease, adult type. Last evaluated: 2025-11-07. Review status: criteria provided, single submitter. Criteria: ACMG Guidelines, 2015. Collection method: clinical testing. Allele origin: germline. Affected: yes.
Comment: This variant is classified as Pathogenic. Evidence in support of pathogenic classification: Variant is predicted to cause nonsense-mediated decay (NMD) and loss of protein (premature termination codon is located at least 54 nucleotides upstream of the final exon-exon junction); Variant is absent from gnomAD (v2, v3 and v4); Other NMD-predicted variant(s) comparable to the one identified in this case have very strong previous evidence for pathogenicity (DECIPHER). Additional information: This variant is heterozygous; This gene is associated with autosomal dominant disease. Polycystic kidney disease 1 (MIM#173900) is predominantly caused by monoallelic variants, with rare reports of biallelic variants causing disease (OMIM); Loss of function is a known mechanism of disease in this gene and is associated with polycystic kidney disease 1 (MIM#173900); Inheritance information for this variant is not currently available in this individual.

NM_001009944.3(PKD1):c.7635_7651del (p.His2546fs)

Gene: PKD1 (polycystin 1, transient receptor potential channel interacting; minus strand). Cytogenetic location: 16p13.3.
Variant type: Deletion.
Coding change: c.7635_7651del on transcript NM_001009944.3 (MANE Select); coding-DNA positions 7635 to 7651, 17 bases deleted (ACACTTCGAGGTGGGCC).
Protein change: p.His2546fs; shifts the reading frame from histidine 2546.
Molecular consequence: frameshift variant.
Genome position (GRCh38, 1-based): chr16:2,106,143-2,106,159, GGCCCACCTCGAAGTGT deleted on the plus strand (ACACTTCGAGGTGGGCC on the coding strand, the reverse complement: PKD1 is on the minus strand); deleting any 17 consecutive bases within chr16:2,106,143-2,106,163 gives the same sequence; the c. name uses the placement nearest the transcript's 3' end. VCF-style (leftmost placement, unchanged base first): chr16-2106142-AGGCCCACCTCGAAGTGT-A. GRCh37 (hg19) VCF-style: chr16-2156143-AGGCCCACCTCGAAGTGT-A.
Other names: c.7635_7651del, p.His2546fs (NM_000296.4); short protein forms H2546fs.
Identifiers: ClinVar variation 4531557 (VCV004531557.1).